The following is an entry in ClinVar:

ClinVar aggregate classification (germline): Likely benign. Review status: criteria provided, multiple submitters, no conflicts (2 of 4 stars). 3 submissions from 3 submitters: Likely benign (2). 1 of the submissions does not count toward it. Last evaluated 2024-06-06.

Conditions:
DVL1-related disorder. Also called: DVL1-related condition.

Allele frequency attached by ClinVar (database versions not stated): gnomAD exomes 0.00008 and 0.00017; TOPMed 0.00009; gnomAD 0.00011; ExAC 0.00019.
gnomAD v4.1: 249 of 1,557,890 alleles (0.016%); highest among the groups gnomAD compares: Middle Eastern, 0.033%; no homozygotes.

Submissions (3):

Blueprint Genetics
Classification: Likely benign. Last evaluated: 2024-06-06. Review status: criteria provided, single submitter. Criteria: ACMG Guidelines, 2015. Collection method: clinical testing. Allele origin: germline.

Labcorp Genetics (formerly Invitae), Labcorp
Classification: Likely benign. Last evaluated: 2022-10-31. Review status: criteria provided, single submitter. Criteria: Invitae Variant Classification Sherloc (09022015). Collection method: clinical testing. Allele origin: germline.

PreventionGenetics, part of Exact Sciences
Classification: Likely benign for DVL1-related condition. Last evaluated: 2019-09-12. Review status: no assertion criteria provided. Collection method: clinical testing. Allele origin: germline. Not counted in ClinVar's aggregate classification.
Comment: This variant is classified as likely benign based on ACMG/AMP sequence variant interpretation guidelines (Richards et al. 2015 PMID: 25741868, with internal and published modifications).

NM_001330311.2(DVL1):c.2004C>T (p.Ala668=)

Gene: DVL1 (dishevelled segment polarity protein 1; minus strand). Cytogenetic location: 1p36.33.
Variant type: single nucleotide variant.
Coding change: c.2004C>T on transcript NM_001330311.2 (MANE Select); coding-DNA position 2004, C replaced by T.
Protein change: p.Ala668=; no amino-acid change (alanine 668 retained).
Molecular consequence: synonymous variant.
Genome position (GRCh38, 1-based): chr1:1,336,226, G>A on the plus strand (C>T on the coding strand, the complement: DVL1 is on the minus strand). VCF-style: chr1-1336226-G-A. GRCh37 (hg19) VCF-style: chr1-1271606-G-A.
Other names: c.1929C>T (NM_004421.2); c.1929C>T, p.Ala643= (NM_004421.3).
Identifiers: ClinVar variation 1077713 (VCV001077713.12), dbSNP rs531416128, ClinGen allele CA519748.